The following is an entry in ClinVar:

NM_015072.5(TTLL5):c.2812A>T (p.Thr938Ser)

Gene: TTLL5 (tubulin tyrosine ligase like 5; plus strand). Cytogenetic location: 14q24.3.
Variant type: single nucleotide variant.
Coding change: c.2812A>T on transcript NM_015072.5 (MANE Select); coding-DNA position 2812, A replaced by T.
Protein change: p.Thr938Ser; replaces threonine 938 with serine.
Molecular consequence: missense variant.
Genome position (GRCh38, 1-based): chr14:75,783,356, A>T. VCF-style: chr14-75783356-A-T. GRCh37 (hg19) VCF-style: chr14-76249699-A-T.
Other names: short protein forms T938S.
Identifiers: ClinVar variation 1418571 (VCV001418571.6), dbSNP rs1004435343, ClinGen allele CA390472424.

ClinVar aggregate classification (germline): Uncertain significance (1 of 4 stars; one submission).

gnomAD v4.1: 5 of 1,614,132 alleles (0.00031%); highest among the groups gnomAD compares: Non-Finnish European, 0.00042%; no homozygotes.

Submission:

Labcorp Genetics (formerly Invitae), Labcorp
Classification: Uncertain significance. Last evaluated: 2021-09-08. Review status: criteria provided, single submitter. Criteria: Invitae Variant Classification Sherloc (09022015). Collection method: clinical testing. Allele origin: germline.
Comment: This sequence change replaces threonine with serine at codon 938 of the TTLL5 protein (p.Thr938Ser). The threonine residue is weakly conserved and there is a small physicochemical difference between threonine and serine. This variant is not present in population databases (ExAC no frequency). This variant has not been reported in the literature in individuals affected with TTLL5-related conditions. Algorithms developed to predict the effect of missense changes on protein structure and function (SIFT, PolyPhen-2, Align-GVGD) all suggest that this variant is likely to be tolerated. In summary, the available evidence is currently insufficient to determine the role of this variant in disease. Therefore, it has been classified as a Variant of Uncertain Significance.